The following is an entry in ClinVar:

NM_004415.4(DSP):c.1509G>A (p.Met503Ile)

Gene: DSP (desmoplakin; plus strand). Cytogenetic location: 6p24.3.
Variant type: single nucleotide variant.
Coding change: c.1509G>A on transcript NM_004415.4 (MANE Select); coding-DNA position 1509, G replaced by A.
Protein change: p.Met503Ile; replaces methionine 503 with isoleucine.
Molecular consequence: missense variant.
Genome position (GRCh38, 1-based): chr6:7,569,275, G>A. VCF-style: chr6-7569275-G-A. GRCh37 (hg19) VCF-style: chr6-7569508-G-A.
Other names: c.1509G>A, p.Met503Ile (NM_001008844.3, NM_001319034.2); short protein forms M503I.
Identifiers: ClinVar variation 2091071 (VCV002091071.5), dbSNP rs758469292, ClinGen allele CA362677663.
Genomic context (GRCh38, chr6:7,569,275, plus strand): 5'-CCTGAAGGACAACAACGAGCGCAGCAAGTGGTACGTGACGGGCCCGGGAGGCGTTGACAT[G>A]CTTGTTCCCTCTGTGGGGCTGATCATCCCTCCTCCGAACCCACTGGCCGTGGACCTCTCT-3'
Protein context (NP_004406.2, residues 493-513): WYVTGPGGVD[Met503Ile]LVPSVGLIIP

ClinVar aggregate classification (germline): Uncertain significance. Review status: criteria provided, multiple submitters, no conflicts (2 of 4 stars). 2 submissions from 2 submitters: Uncertain significance (2). Last evaluated 2025-09-08.

Conditions:
Cardiomyopathy (CMYO). Also called: Cardiomyopathies. Identifiers: Orphanet 167848, MedGen C0878544, MONDO:0004994, HP:0001638. Inheritance: Various modes of inheritance.
Arrhythmogenic cardiomyopathy with wooly hair and keratoderma. Also called: Arrhythmogenic cardiomyopathy with woolly hair and keratoderma; PALMOPLANTAR KERATODERMA WITH LEFT VENTRICULAR CARDIOMYOPATHY AND WOOLLY HAIR; Dilated cardiomyopathy with woolly hair and keratoderma; Carvajal syndrome. Identifiers: Orphanet 65282, MedGen C1854063, MONDO:0011581, OMIM 605676.
Arrhythmogenic right ventricular dysplasia 8 (ARVD8). Also called: Arrhythmogenic Right Ventricular Dysplasia/Cardiomyopathy 8; ARRHYTHMOGENIC RIGHT VENTRICULAR CARDIOMYOPATHY 8; ARRHYTHMOGENIC RIGHT VENTRICULAR DYSPLASIA, FAMILIAL, 8. Identifiers: MedGen C1843896, MONDO:0011831, OMIM 607450.

gnomAD v4.1: 2 of 1,614,180 alleles (0.00012%); highest among the groups gnomAD compares: Non-Finnish European, 0.000085%; no homozygotes.

Submissions (2):

Color Diagnostics, LLC DBA Color Health
Classification: Uncertain significance for Cardiomyopathy. Last evaluated: 2025-09-08. Review status: criteria provided, single submitter. Criteria: ACMG Guidelines, 2015. Collection method: clinical testing. Allele origin: germline.
Comment: This missense variant replaces methionine with isoleucine at codon 503 of the DSP protein. Computational prediction suggests that this variant may not impact protein structure and function. To our knowledge, functional studies have not been reported for this variant. This variant has not been reported in individuals affected with DSP-related disorders in the literature. This variant has not been identified in the general population by the Genome Aggregation Database (gnomAD). The available evidence is insufficient to determine the role of this variant in disease conclusively. Therefore, this variant is classified as a Variant of Uncertain Significance.

Labcorp Genetics (formerly Invitae), Labcorp
Classification: Uncertain significance for Arrhythmogenic cardiomyopathy with wooly hair and keratoderma; Arrhythmogenic right ventricular dysplasia 8. Last evaluated: 2022-01-29. Review status: criteria provided, single submitter. Criteria: Invitae Variant Classification Sherloc (09022015). Collection method: clinical testing. Allele origin: germline.
Comment: In summary, the available evidence is currently insufficient to determine the role of this variant in disease. Therefore, it has been classified as a Variant of Uncertain Significance. Algorithms developed to predict the effect of missense changes on protein structure and function are either unavailable or do not agree on the potential impact of this missense change (SIFT: "Deleterious"; PolyPhen-2: "Probably Damaging"; Align-GVGD: "Class C0"). This variant has not been reported in the literature in individuals affected with DSP-related conditions. This variant is not present in population databases (gnomAD no frequency). This sequence change replaces methionine, which is neutral and non-polar, with isoleucine, which is neutral and non-polar, at codon 503 of the DSP protein (p.Met503Ile).